The following is an entry in ClinVar:

NM_000138.5(FBN1):c.2615del (p.Lys872fs)

Gene: FBN1 (fibrillin 1; minus strand). Cytogenetic location: 15q21.1.
Variant type: Deletion.
Coding change: c.2615del on transcript NM_000138.5 (MANE Select); coding-DNA position 2615, one base deleted (A; older notation c.2615delA).
Protein change: p.Lys872fs; shifts the reading frame from lysine 872.
Molecular consequence: frameshift variant.
Genome position (GRCh38, 1-based): chr15:48,495,185, T deleted on the plus strand (A on the coding strand, the reverse complement: FBN1 is on the minus strand); the first of 3 consecutive T bases (chr15:48,495,185-48,495,187); deleting any one gives the same sequence. VCF-style (leftmost placement, unchanged base first): chr15-48495184-CT-C. GRCh37 (hg19) VCF-style: chr15-48787381-CT-C.
Other names: c.2615del, p.Lys872fs (NM_001406716.1); short protein forms K872fs.
Identifiers: ClinVar variation 2945513 (VCV002945513.3), dbSNP rs2505570930, ClinGen allele CA2740096658.

ClinVar aggregate classification (germline): Pathogenic (1 of 4 stars; one submission).

Conditions:
Marfan syndrome (MFS). Also called: MARFAN SYNDROME, TYPE I; Marfan syndrome type 1; Marfan's syndrome; Marfan syndrome, classic; FBN1-Related Marfan Syndrome. Identifiers: Orphanet 284963, Orphanet 558, MedGen C0024796, MONDO:0007947, OMIM 154700.
Familial thoracic aortic aneurysm and aortic dissection (TAAD). Also called: Thoracic aortic aneurysms and dissections. Identifiers: Orphanet 91387, MedGen C4707243, MONDO:0019625.

Submission:

Labcorp Genetics (formerly Invitae), Labcorp
Classification: Pathogenic for Marfan syndrome; Familial thoracic aortic aneurysm and aortic dissection. Last evaluated: 2023-03-19. Review status: criteria provided, single submitter. Criteria: Invitae Variant Classification Sherloc (09022015). Collection method: clinical testing. Allele origin: germline.
Comment: This sequence change creates a premature translational stop signal (p.Lys872Serfs*40) in the FBN1 gene. It is expected to result in an absent or disrupted protein product. Loss-of-function variants in FBN1 are known to be pathogenic (PMID: 17657824, 19293843). For these reasons, this variant has been classified as Pathogenic. This variant has not been reported in the literature in individuals affected with FBN1-related conditions. This variant is not present in population databases (gnomAD no frequency).

Literature cited by the submitters: PubMed 17657824; PubMed 19293843.